The following is an entry in ClinVar:

NM_000350.3(ABCA4):c.1819G>A (p.Gly607Arg)

Gene: ABCA4 (ATP binding cassette subfamily A member 4; minus strand). Cytogenetic location: 1p22.1.
Variant type: single nucleotide variant.
Coding change: c.1819G>A on transcript NM_000350.3 (MANE Select); coding-DNA position 1819, G replaced by A.
Protein change: p.Gly607Arg; replaces glycine 607 with arginine.
Molecular consequence: missense variant.
Genome position (GRCh38, 1-based): chr1:94,062,695, C>T on the plus strand (G>A on the coding strand, the complement: ABCA4 is on the minus strand). VCF-style: chr1-94062695-C-T. GRCh37 (hg19) VCF-style: chr1-94528251-C-T.
Other names: NM_000350.3(ABCA4):c.1819G>A; c.1819G>A, p.Gly607Arg (NM_001425324.1); short protein forms G607R.
Identifiers: ClinVar variation 99087 (VCV000099087.43), dbSNP rs61749412, ClinGen allele CA226936.

ClinVar aggregate classification (germline): Pathogenic. Review status: reviewed by expert panel (3 of 4 stars). 13 submissions from 12 submitters: Pathogenic (1). 12 of the submissions do not count toward it. Last evaluated 2025-12-16.

Conditions:
ABCA4-related retinopathy. Also called: ABCA4-related retinoapthy; ABCA4 retinoapthy. Identifiers: MedGen CN322612, MONDO:0800406.
ABCA4-related disorder. Also called: ABCA4-related condition; ABCA4-related disorders. Identifiers: MedGen CN239167.
Retinal dystrophy. Also called: Inherited retinal dystrophy. Identifiers: Orphanet 71862, MedGen C0854723, MeSH D058499, MONDO:0019118, HP:0000556.
Stargardt disease (FFM). Also called: Fundus flavimaculatus; Stargardt's disease. Identifiers: Orphanet 827, MedGen C0271093, MONDO:0019353.
Severe early-childhood-onset retinal dystrophy (STGD1). Also called: MACULAR DYSTROPHY WITH FLECKS, TYPE 1; STGD; Stargardt macular dystrophy; Juvenile onset macular degeneration; Stargardt disease 1. Identifiers: Orphanet 364055, Orphanet 827, MedGen C1855465, MeSH D000080362, MONDO:0009549, OMIM 248200.

Allele frequency attached by ClinVar (database versions not stated): gnomAD exomes 0.00002 and 0.00003; ExAC 0.00003; TOPMed 0.00003; gnomAD 0.00004; ESP Exome Variant Server 0.00008; 1000 Genomes Project 30x 0.00031.
gnomAD v4.1: 28 of 1,614,146 alleles (0.0017%); highest among the groups gnomAD compares: African/African-American, 0.008%; no homozygotes.

Submissions (13):

ClinGen ABCA4 Variant Curation Expert Panel, Clingen
Classification: Pathogenic for ABCA4-related retinopathy. Last evaluated: 2025-12-16. Review status: reviewed by expert panel. Criteria: ClinGen ABCA4 ACMG Specifications V1.0.0. Collection method: curation. Allele origin: germline. Inheritance: Autosomal recessive inheritance.
Comment: The NM_000350.3:c.1819G>A variant in ABCA4 is a missense variant predicted to cause substitution of glycine by arginine at amino acid 607 (p.Gly607Arg). The total minor allele frequency in gnomAD v4.1.0 is 0.00001735 (28/1614146 alleles), which is lower than the ClinGen ABCA4 VCEP’s threshold for PM2_Supporting (<0.0001). The computational predictor REVEL gives a score of 0.951 which is above the threshold of >0.772, evidence that predicts a damaging effect on ABCA4 function (PP3_Moderate). The prevalence of the variant in affected individuals is significantly increased compared with the prevalence in controls. The OR is 131.4 and the CI is 41.15 - 670.77, which is above the ABCA4 VCEP threshold of ≥5, where the CI does not contain 1 (PS4; PMID: 35120629). At least one patient with this variant meets criteria for ABCA4-related retinopathy (PP4, PMID:24632595). The variant has been reported to segregate with ABCA4-related retinopathy in the proband and 1 similarly affected relative (PP1; PMID:24632595). This variant has been detected in at least two individuals with ABCA4-related retinopathy. One of those individuals was compound heterozygous for the variant and a pathogenic variant in an unconfirmed phase (ABCA4 c.3386G>T; p.Arg1129Leu) meeting PM3_Supporting (PMID:23755871). In summary, this variant meets the criteria to be classified as pathogenic for ABCA4-related retinopathy based on the ACMG/AMP criteria applied, as specified by the ClinGen ABCA4 VCEP (Specification Version 1.0.0): PS4, PP3_Moderate, PP1, PP4, PM2_Supporting, PM3_Supporting.

Labcorp Genetics (formerly Invitae), Labcorp
Classification: Pathogenic. Last evaluated: 2025-07-02. Review status: criteria provided, single submitter. Criteria: Invitae Variant Classification Sherloc (09022015). Collection method: clinical testing. Allele origin: germline. Not counted in ClinVar's aggregate classification.
Comment: This sequence change replaces glycine, which is neutral and non-polar, with arginine, which is basic and polar, at codon 607 of the ABCA4 protein (p.Gly607Arg). This variant is present in population databases (rs61749412, gnomAD 0.01%). This missense change has been observed in individual(s) with Stargardt disease (PMID: 23755871, 24632595, 24763286, 28559085). In at least one individual the data is consistent with being in trans (on the opposite chromosome) from a pathogenic variant. It has also been observed to segregate with disease in related individuals. ClinVar contains an entry for this variant (Variation ID: 99087). Invitae Evidence Modeling of protein sequence and biophysical properties (such as structural, functional, and spatial information, amino acid conservation, physicochemical variation, residue mobility, and thermodynamic stability) indicates that this missense variant is expected to disrupt ABCA4 protein function with a positive predictive value of 95%. For these reasons, this variant has been classified as Pathogenic.

3billion
Classification: Pathogenic for ABCA4-related disorder. Last evaluated: 2025-05-13. Review status: criteria provided, single submitter. Criteria: ACMG Guidelines, 2015. Collection method: clinical testing. Allele origin: germline. Affected: yes. Not counted in ClinVar's aggregate classification.
Comment: The variant is observed at an extremely low frequency in the gnomAD v4.1.0 dataset (total allele frequency: 0.002%). Predicted Consequence/Location: Missense variant In silico tool predictions suggest damaging effect of the variant on gene or gene product [REVEL: 0.95 (>=0.6, sensitivity 0.68 and specificity 0.92)]. The same nucleotide change resulting in the same amino acid change has been previously reported as pathogenic/likely pathogenic with strong evidence (ClinVar ID: VCV000099087 /PMID: 10958763 /3billion dataset). The variant has been reported to be in trans with a pathogenic variant as either compound heterozygous or homozygous in at least one similarly affected unrelated individual (PMID: 24632595). Different missense changes at the same codon (p.Gly607Trp, p.Gly607Val) have been reported to be associated with ABCA4-related disorder (ClinVar ID: VCV002628034 /PMID: 11328725). Therefore, this variant is classified as Pathogenic according to the recommendation of ACMG/AMP guideline.

Revvity Omics, Revvity
Classification: Pathogenic. Last evaluated: 2025-03-03. Review status: criteria provided, single submitter. Criteria: ACMG Guidelines, 2015. Collection method: clinical testing. Allele origin: germline. Not counted in ClinVar's aggregate classification.

GeneDx
Classification: Pathogenic. Last evaluated: 2024-11-24. Review status: criteria provided, single submitter. Criteria: GeneDx Variant Classification Process June 2021. Collection method: clinical testing. Allele origin: germline. Affected: yes. Not counted in ClinVar's aggregate classification.
Comment: In silico analysis supports that this missense variant has a deleterious effect on protein structure/function; This variant is associated with the following publications: (PMID: 33546218, 35120629, 35260635, 31964843, 36460718, 36729443, 10958763, 31429209, 32531858, 34315337, 27032803, 23096905, 24763286, 25066811, 24632595, 28041643, 12515255, 18652558, 23755871, 28118664, 30416334, 29925512, 28559085, 31980526, 32845068, 32581362, 32619608, 33173045, 33301772, 35119454, 38219857)

Blueprint Genetics
Classification: Pathogenic for ABCA4-related disorders. Last evaluated: 2024-01-12. Review status: criteria provided, single submitter. Criteria: ACMG Guidelines, 2015. Collection method: clinical testing. Allele origin: germline. Affected: yes. Observed: 5 variant alleles. Not counted in ClinVar's aggregate classification.

CeGaT Center for Human Genetics Tuebingen
Classification: Pathogenic. Last evaluated: 2024-01-01. Review status: criteria provided, single submitter. Criteria: CeGaT Center For Human Genetics Tuebingen Variant Classification Criteria Version 2. Collection method: clinical testing. Allele origin: germline. Affected: yes. Observed: 1 variant allele. Not counted in ClinVar's aggregate classification.
Comment: ABCA4: PM3:Very Strong, PP1:Strong, PS1, PM2, PM5, PP3

Institute of Medical Molecular Genetics, University of Zurich
Classification: Likely pathogenic for Severe early-childhood-onset retinal dystrophy. Last evaluated: 2021-01-30. Review status: criteria provided, single submitter. Criteria: ACMG Guidelines, 2015. Collection method: clinical testing. Allele origin: unknown. Affected: yes. Not counted in ClinVar's aggregate classification.

Institute of Human Genetics, Univ. Regensburg, Univ. Regensburg
Classification: Likely pathogenic for Retinal dystrophy. Last evaluated: 2021-01-01. Review status: criteria provided, single submitter. Criteria: ACMG Guidelines, 2015. Collection method: clinical testing. Allele origin: germline. Affected: yes. Not counted in ClinVar's aggregate classification.

Institute of Human Genetics, Univ. Regensburg, Univ. Regensburg
Classification: Likely pathogenic for Severe early-childhood-onset retinal dystrophy. Last evaluated: 2016-01-01. Review status: criteria provided, single submitter. Criteria: Schulz et al. (Invest Ophthalmol Vis Sci. 2017). Collection method: clinical testing. Allele origin: germline. Affected: yes. Observed: 1 heterozygote. Not counted in ClinVar's aggregate classification.

Department of Clinical Genetics, Copenhagen University Hospital, Rigshospitalet
Classification: Likely pathogenic for Stargardt disease. Last evaluated: 2018-04-01. Review status: no assertion criteria provided. Collection method: research. Allele origin: unknown. Affected: yes. Study: VeluxRD. Not counted in ClinVar's aggregate classification.

NIHR Bioresource Rare Diseases, University of Cambridge
Classification: Likely pathogenic. Last evaluated: 2015-01-01. Review status: no assertion criteria provided. Collection method: research. Allele origin: unknown. Affected: yes. Observed: 1 variant allele. Not counted in ClinVar's aggregate classification.

Retina International
No classification provided. Review status: no classification provided. Collection method: not provided. Allele origin: not provided. Not counted in ClinVar's aggregate classification.

Literature cited by the submitters: PubMed 23755871 (cited by Labcorp Genetics (formerly Invitae), Labcorp); PubMed 24632595 (cited by Labcorp Genetics (formerly Invitae), Labcorp and 3billion); PubMed 24763286 (cited by Labcorp Genetics (formerly Invitae), Labcorp); PubMed 28559085 (cited by Labcorp Genetics (formerly Invitae), Labcorp and Institute of Human Genetics, Univ. Regensburg, Univ. Regensburg); PubMed 10958763 (cited by 3 submitters); PubMed 11328725 (cited by 3billion); PubMed 29925512 (cited by Institute of Human Genetics, Univ. Regensburg, Univ. Regensburg); PubMed 32619608 (cited by Institute of Human Genetics, Univ. Regensburg, Univ. Regensburg); PubMed 31964843 (cited by Institute of Human Genetics, Univ. Regensburg, Univ. Regensburg); PubMed 31429209 (cited by Institute of Human Genetics, Univ. Regensburg, Univ. Regensburg); PubMed 31980526 (cited by Institute of Human Genetics, Univ. Regensburg, Univ. Regensburg); PubMed 32845068 (cited by Institute of Human Genetics, Univ. Regensburg, Univ. Regensburg); PubMed 33173045 (cited by Institute of Human Genetics, Univ. Regensburg, Univ. Regensburg); PubMed 32581362 (cited by Institute of Human Genetics, Univ. Regensburg, Univ. Regensburg); PubMed 32531858 (cited by Institute of Human Genetics, Univ. Regensburg, Univ. Regensburg); PubMed 34315337 (cited by Institute of Human Genetics, Univ. Regensburg, Univ. Regensburg); PubMed 33301772 (cited by Institute of Human Genetics, Univ. Regensburg, Univ. Regensburg); PubMed 35119454 (cited by Institute of Human Genetics, Univ. Regensburg, Univ. Regensburg); PubMed 35260635 (cited by Institute of Human Genetics, Univ. Regensburg, Univ. Regensburg); PubMed 36460718 (cited by Institute of Human Genetics, Univ. Regensburg, Univ. Regensburg); PubMed 30718709 (cited by Department of Clinical Genetics, Copenhagen University Hospital, Rigshospitalet); PubMed 28041643 (cited by NIHR Bioresource Rare Diseases, University of Cambridge).